The following is an entry in ClinVar:

NM_007194.4(CHEK2):c.1603C>T (p.Arg535Cys)

Gene: CHEK2 (checkpoint kinase 2; minus strand). Cytogenetic location: 22q12.1.
Variant type: single nucleotide variant.
Coding change: c.1603C>T on transcript NM_007194.4 (MANE Select); coding-DNA position 1603, C replaced by T.
Protein change: p.Arg535Cys; replaces arginine 535 with cysteine.
Molecular consequence: missense variant.
Genome position (GRCh38, 1-based): chr22:28,687,926, G>A on the plus strand (C>T on the coding strand, the complement: CHEK2 is on the minus strand). VCF-style: chr22-28687926-G-A. GRCh37 (hg19) VCF-style: chr22-29083914-G-A.
Other names: p.R535C:CGC>TGC; c.1732C>T, p.Arg578Cys (NM_001005735.3); c.940C>T, p.Arg314Cys (NM_001257387.3); c.1402C>T, p.Arg468Cys (NM_001349956.3); c.1516C>T, p.Arg506Cys (NM_145862.3); short protein forms R535C, R468C, R314C, R506C, R578C.
Identifiers: ClinVar variation 182442 (VCV000182442.27), dbSNP rs576248104, ClinGen allele CA299096.

ClinVar aggregate classification (germline): Uncertain significance. Review status: criteria provided, multiple submitters, no conflicts (2 of 4 stars). 8 submissions from 8 submitters: Uncertain significance (8). Last evaluated 2026-01-05.

Conditions:
CHEK2-related disorder.
Hereditary cancer-predisposing syndrome. Also called: Neoplastic Syndromes, Hereditary; Tumor predisposition; Hereditary neoplastic syndrome; Hereditary Cancer Syndrome. Identifiers: Orphanet 140162, MedGen C0027672, MeSH D009386, MONDO:0015356.
Familial cancer of breast. Also called: Hereditary breast cancer; BREAST CANCER, FAMILIAL; hereditary breast carcinoma. Identifiers: Orphanet 227535, MedGen C0346153, MONDO:0016419, OMIM 114480. Disease mechanism: loss of function.

Allele frequency attached by ClinVar (database versions not stated): gnomAD below 0.00001 and 0.00001; TOPMed below 0.00001; ExAC 0.00001; gnomAD exomes 0.00002.
gnomAD v4.1: 28 of 1,596,260 alleles (0.0018%); highest among the groups gnomAD compares: Admixed American, 0.005%; no homozygotes.

Submissions (8):

Labcorp Genetics (formerly Invitae), Labcorp
Classification: Uncertain significance for Familial cancer of breast. Last evaluated: 2026-01-05. Review status: criteria provided, single submitter. Criteria: Invitae Variant Classification Sherloc (09022015). Collection method: clinical testing. Allele origin: germline.
Comment: This sequence change replaces arginine, which is basic and polar, with cysteine, which is neutral and slightly polar, at codon 535 of the CHEK2 protein (p.Arg535Cys). The frequency data for this variant in the population databases is considered unreliable, as metrics indicate poor data quality at this position in the gnomAD database. This missense change has been observed in individual(s) with ovarian cancer (PMID: 30441849). ClinVar contains an entry for this variant (Variation ID: 182442). An algorithm developed to predict the effect of missense changes on protein structure and function (PolyPhen-2) suggests that this variant is likely to be tolerated. In summary, the available evidence is currently insufficient to determine the role of this variant in disease. Therefore, it has been classified as a Variant of Uncertain Significance.

PreventionGenetics, part of Exact Sciences
Classification: Uncertain significance for CHEK2-related condition. Last evaluated: 2025-11-26. Review status: criteria provided, single submitter. Criteria: ACMG Guidelines, 2015. Collection method: clinical testing. Allele origin: germline.
Comment: The CHEK2 c.1603C>T variant is predicted to result in the amino acid substitution p.Arg535Cys. This variant has been reported in a patient with breast cancer (Breast Cancer Association Consortium et al. 2021. PubMed ID: 33471991) and in a patient with ovarian cancer and was interpreted as uncertain (Table S1, Koczkowska et al 2018. PubMed ID: 30441849). This variant is reported in 0.0087% of alleles in individuals of Latino descent in gnomAD and is classified as a variant of uncertain significance in ClinVar (Variation ID: 182442). At this time, the clinical significance of this variant is uncertain due to the absence of conclusive functional and genetic evidence.

Color Diagnostics, LLC DBA Color Health
Classification: Uncertain significance for Hereditary cancer-predisposing syndrome. Last evaluated: 2025-05-05. Review status: criteria provided, single submitter. Criteria: ACMG Guidelines, 2015. Collection method: clinical testing. Allele origin: germline.
Comment: This missense variant replaces arginine with cysteine at codon 535 of the CHEK2 protein. Computational prediction suggests that this variant may not impact protein structure and function. To our knowledge, functional studies have not been reported for this variant. This variant has been reported in an individual affected with ovarian cancer in the literature (PMID: 30441849) and an individual with breast cancer (PMID: 33471991). This variant has been identified in 4/233674 chromosomes in the general population by the Genome Aggregation Database (gnomAD). The available evidence is insufficient to determine the role of this variant in disease conclusively. Therefore, this variant is classified as a Variant of Uncertain Significance.

Ambry Genetics
Classification: Uncertain significance for Hereditary cancer-predisposing syndrome. Last evaluated: 2024-04-03. Review status: criteria provided, single submitter. Criteria: Ambry Variant Classification Scheme 2023. Collection method: clinical testing. Allele origin: germline.
Comment: The p.R535C variant (also known as c.1603C>T), located in coding exon 14 of the CHEK2 gene, results from a C to T substitution at nucleotide position 1603. The arginine at codon 535 is replaced by cysteine, an amino acid with highly dissimilar properties. This variant was detected in 1/333 Polish patients with ovarian cancer (Koczkowska M et al. Cancers (Basel), 2018 Nov;10:). This amino acid position is well conserved in available vertebrate species. In addition, this alteration is predicted to be tolerated by in silico analysis. Based on the available evidence, the clinical significance of this variant remains unclear.

Baylor Genetics
Classification: Uncertain significance for Familial cancer of breast. Last evaluated: 2024-02-26. Review status: criteria provided, single submitter. Criteria: ACMG Guidelines, 2015. Collection method: clinical testing. Allele origin: unknown.

Women's Health and Genetics/Laboratory Corporation of America, LabCorp
Classification: Uncertain significance. Last evaluated: 2022-01-09. Review status: criteria provided, single submitter. Criteria: LabCorp Variant Classification Summary - May 2015. Collection method: clinical testing. Allele origin: germline.
Comment: Variant summary: CHEK2 c.1603C>T (p.Arg535Cys) results in a non-conservative amino acid change in the encoded protein sequence. Four of five in-silico tools predict a benign effect of the variant on protein function. The variant allele was found at a frequency of 1.7e-05 in 233674 control chromosomes (gnomAD). The available data on variant occurrences in the general population are insufficient to allow any conclusion about variant significance. c.1603C>T has been reported in the literature in individuals affected with Breast and Ovarian Cancer (example: Koczkowska_2018, Dorling_2021). These reports do not provide unequivocal conclusions about association of the variant with Hereditary Breast And Ovarian Cancer Syndrome. To our knowledge, no experimental evidence demonstrating an impact on protein function has been reported. Four ClinVar submitters have assessed this variant since 2014: all submitters classified the variant as of uncertain significance. Based on the evidence outlined above, the variant was classified as uncertain significance.

Sema4
Classification: Uncertain significance for Hereditary cancer-predisposing syndrome. Last evaluated: 2021-10-12. Review status: criteria provided, single submitter. Criteria: Sema4 Curation Guidelines. Collection method: curation. Allele origin: germline.
Comment: The CHEK2 c.1603C>T (p.R535C) variant has been reported in heterozygosity in at least one individual with breast cancer and one individual with ovarian cancer (PMID: 33471991, 30441849). It was observed in 3/34362 chromosomes of the Latino subpopulation in the large and broad cohorts of the Genome Aggregation Database (PMID: 32461654). The variant has been reported in ClinVar (Variation ID 182442). In silico tools suggest the impact of the variant on protein function is benign, though these predictions have not been confirmed by functional studies. The evidence is insufficient to meet ACMG/AMP criteria for classifying the variant as benign or pathogenic. Thus, the clinical significance of this variant is currently uncertain.

GeneDx
Classification: Uncertain significance. Last evaluated: 2017-07-17. Review status: criteria provided, single submitter. Criteria: GeneDx Variant Classification (06012015). Collection method: clinical testing. Allele origin: germline. Affected: yes.
Comment: This variant is denoted CHEK2 c.1603C>T at the cDNA level, p.Arg535Cys (R535C) at the protein level, and results in the change of an Arginine to a Cysteine (CGC>TGC). Using alternate nomenclature, this variant would be defined as CHEK2 1732C>T (R578C). This variant has not, to our knowledge, been published in the literature as pathogenic or benign. Although this variant was observed in large population cohorts, population data in this region of CHEK2 are not considered reliable due to high pseudogene homology (NHLBI Exome Sequencing Project, The 1000 Genomes Consortium 2015, Lek 2016). Since Arginine and Cysteine differ in polarity, charge, size or other properties, this is considered a non-conservative amino acid substitution. CHEK2 Arg535Cys occurs at a position that is not conserved and is not located in a known functional domain. In silico analyses are inconsistent regarding the effect this variant may have on protein structure and function. Based on currently available information, it is unclear whether CHEK2 Arg535Cys is pathogenic or benign. We consider it to be a variant of uncertain significance.

Literature cited by the submitters: PubMed 30441849 (cited by 5 submitters); PubMed 33471991 (cited by 3 submitters).